The following is an entry in ClinVar:

ClinVar aggregate classification (germline): Likely benign (1 of 4 stars; one submission).

Submission:

Women's Health and Genetics/Laboratory Corporation of America, LabCorp
Classification: Likely benign. Last evaluated: 2025-10-06. Review status: criteria provided, single submitter. Criteria: LabCorp Variant Classification Summary - May 2015. Collection method: clinical testing. Allele origin: germline.
Comment: Variant summary: BRCA2 c.4494T>C results in a synonymous change. Consensus agreement among computation tools predict no significant impact on normal splicing. However, these predictions have yet to be confirmed by functional studies. The variant was absent in 250386 control chromosomes. The available data on variant occurrences in the general population are insufficient to allow any conclusion about variant significance. To our knowledge, no occurrence of c.4494T>C in individuals affected with BRCA2-related conditions and no experimental evidence demonstrating its impact on protein function have been reported. No submitters have cited clinical-significance assessments for this variant to ClinVar. Based on the evidence outlined above, the variant was classified as likely benign.

NM_000059.4(BRCA2):c.4494T>C (p.Gly1498=)

Gene: BRCA2 (BRCA2 DNA repair associated; plus strand). Cytogenetic location: 13q13.1.
Variant type: single nucleotide variant.
Coding change: c.4494T>C on transcript NM_000059.4 (MANE Select); coding-DNA position 4494, T replaced by C.
Protein change: p.Gly1498=; no amino-acid change (glycine 1498 retained).
Molecular consequence: synonymous variant. On other transcripts: non-coding transcript variant (1), intron variant (2).
Genome position (GRCh38, 1-based): chr13:32,338,849, T>C. VCF-style: chr13-32338849-T-C. GRCh37 (hg19) VCF-style: chr13-32912986-T-C.
Other names: c.4494T>C, p.Gly1498= (NM_001406719.1, NM_001406720.1, NM_001432077.1); c.1909+5462T>C (NM_001406721.1); c.425-5709T>C (NM_001406722.1).
Identifiers: ClinVar variation 4687555 (VCV004687555.1).
Genomic context (GRCh38, chr13:32,338,849, plus strand): 5'-AAGTTATGAGGAAACAGACATAGTTAAACACAAAATACTGAAAGAAAGTGTCCCAGTTGG[T>C]ACTGGAAATCAACTAGTGACCTTCCAGGGACAACCCGAACGTGATGAAAAGATCAAAGAA-3'
Protein context (NP_000050.3, residues 1488-1508): HKILKESVPV[Gly1498=]TGNQLVTFQG